The following is an entry in ClinVar:

NM_014629.4(ARHGEF10):c.1234G>A (p.Val412Ile)

Gene: ARHGEF10 (Rho guanine nucleotide exchange factor 10; plus strand). Cytogenetic location: 8p23.3.
Variant type: single nucleotide variant.
Coding change: c.1234G>A on transcript NM_014629.4 (MANE Select); coding-DNA position 1234, G replaced by A.
Protein change: p.Val412Ile; replaces valine 412 with isoleucine.
Molecular consequence: missense variant.
Genome position (GRCh38, 1-based): chr8:1,893,620, G>A. VCF-style: chr8-1893620-G-A. GRCh37 (hg19) VCF-style: chr8-1841786-G-A.
Other names: c.1120G>A, p.Val374Ile (NM_001308152.2); c.1237G>A, p.Val413Ile (NM_001308153.3); short protein forms V374I, V412I, V437I, V413I.
Identifiers: ClinVar variation 1501336 (VCV001501336.8), dbSNP rs775869702, ClinGen allele CA4600270.

ClinVar aggregate classification (germline): Uncertain significance. Review status: criteria provided, multiple submitters, no conflicts (2 of 4 stars). 2 submissions from 2 submitters: Uncertain significance (2). Last evaluated 2024-12-25.

Allele frequency attached by ClinVar (database versions not stated): gnomAD exomes 0.00001; ExAC 0.00002; gnomAD 0.00003; TOPMed 0.00004.
gnomAD v4.1: 13 of 1,613,190 alleles (0.00081%); highest among the groups gnomAD compares: African/African-American, 0.004%; no homozygotes.

Submissions (2):

Ambry Genetics
Classification: Uncertain significance. Last evaluated: 2024-12-25. Review status: criteria provided, single submitter. Criteria: Ambry Variant Classification Scheme 2023. Collection method: clinical testing. Allele origin: germline.

Labcorp Genetics (formerly Invitae), Labcorp
Classification: Uncertain significance. Last evaluated: 2021-04-12. Review status: criteria provided, single submitter. Criteria: Invitae Variant Classification Sherloc (09022015). Collection method: clinical testing. Allele origin: germline.
Comment: In summary, the available evidence is currently insufficient to determine the role of this variant in disease. Therefore, it has been classified as a Variant of Uncertain Significance. Algorithms developed to predict the effect of missense changes on protein structure and function output the following: SIFT: "Tolerated"; PolyPhen-2: "Benign"; Align-GVGD: "Class C0". The isoleucine amino acid residue is found in multiple mammalian species, suggesting that this missense change does not adversely affect protein function. These predictions have not been confirmed by published functional studies and their clinical significance is uncertain. This variant has not been reported in the literature in individuals with ARHGEF10-related conditions. This variant is present in population databases (rs775869702, ExAC 0.01%). This sequence change replaces valine with isoleucine at codon 412 of the ARHGEF10 protein (p.Val412Ile). The valine residue is moderately conserved and there is a small physicochemical difference between valine and isoleucine.